The following is an entry in ClinVar:

ClinVar aggregate classification (germline): Uncertain significance (1 of 4 stars; one submission).

Conditions:
PKHD1-related disorder. Also called: PKHD1-related condition.

Allele frequency attached by ClinVar (database versions not stated): gnomAD 0.00001; gnomAD exomes 0.00001; TOPMed 0.00001; ESP Exome Variant Server 0.00008.
gnomAD v4.1: 16 of 1,613,712 alleles (0.00099%); highest among the groups gnomAD compares: African/African-American, 0.0013%; no homozygotes.

Submission:

PreventionGenetics, part of Exact Sciences
Classification: Uncertain significance for PKHD1-related condition. Last evaluated: 2023-05-31. Review status: criteria provided, single submitter. Criteria: ACMG Guidelines, 2015. Collection method: clinical testing. Allele origin: germline.
Comment: The PKHD1 c.9526A>G variant is predicted to result in the amino acid substitution p.Thr3176Ala. To our knowledge, this variant has not been reported in the literature. This variant is reported in 0.0040% of alleles in individuals of African descent in gnomAD. At this time, the clinical significance of this variant is uncertain due to the absence of conclusive functional and genetic evidence.

NM_138694.4(PKHD1):c.9526A>G (p.Thr3176Ala)

Gene: PKHD1 (PKHD1 ciliary IPT domain containing fibrocystin/polyductin; minus strand). Cytogenetic location: 6p12.3.
Variant type: single nucleotide variant.
Coding change: c.9526A>G on transcript NM_138694.4 (MANE Select); coding-DNA position 9526, A replaced by G.
Protein change: p.Thr3176Ala; replaces threonine 3176 with alanine.
Molecular consequence: missense variant.
Genome position (GRCh38, 1-based): chr6:51,748,090, T>C on the plus strand (A>G on the coding strand, the complement: PKHD1 is on the minus strand). VCF-style: chr6-51748090-T-C. GRCh37 (hg19) VCF-style: chr6-51612888-T-C.
Other names: c.9526A>G, p.Thr3176Ala (NM_170724.3); short protein forms T3176A.
Identifiers: ClinVar variation 2628771 (VCV002628771.1), dbSNP rs149252173, ClinGen allele CA138896145.